The following is an entry in ClinVar:

NM_001204.7(BMPR2):c.1266C>G (p.Asp422Glu)

Gene: BMPR2 (bone morphogenetic protein receptor type 2; plus strand). Cytogenetic location: 2q33.2.
Variant type: single nucleotide variant.
Coding change: c.1266C>G on transcript NM_001204.7 (MANE Select); coding-DNA position 1266, C replaced by G.
Protein change: p.Asp422Glu; replaces aspartic acid 422 with glutamic acid.
Molecular consequence: missense variant.
Genome position (GRCh38, 1-based): chr2:202,532,722, C>G. VCF-style: chr2-202532722-C-G. GRCh37 (hg19) VCF-style: chr2-203397445-C-G.
Other names: short protein forms D422E.
Identifiers: ClinVar variation 3824867 (VCV003824867.1).

ClinVar aggregate classification (germline): Uncertain significance (1 of 4 stars; one submission).

Conditions:
Inborn genetic diseases. Identifiers: MedGen C0950123, MeSH D030342.

gnomAD v4.1: 1 of 1,612,696 alleles (0.000062%); highest among the groups gnomAD compares: South Asian, 0.0011%; no homozygotes.

Submission:

Ambry Genetics
Classification: Uncertain significance for Inborn genetic diseases. Last evaluated: 2025-02-01. Review status: criteria provided, single submitter. Criteria: Ambry Variant Classification Scheme 2023. Collection method: clinical testing. Allele origin: germline.
Comment: The p.D422E variant (also known as c.1266C>G), located in coding exon 9 of the BMPR2 gene, results from a C to G substitution at nucleotide position 1266. The aspartic acid at codon 422 is replaced by glutamic acid, an amino acid with highly similar properties. This amino acid position is conserved. In addition, this alteration is predicted to be deleterious by in silico analysis. Based on the available evidence, the clinical significance of this variant remains unclear.